The following is an entry in ClinVar:

NM_001382391.1(CSPP1):c.3466dup (p.Thr1156fs)

Genes: ARFGEF1 (ARF guanine nucleotide exchange factor 1; minus strand), CSPP1 (centrosome and spindle pole associated protein 1; plus strand). Cytogenetic location: 8q13.2.
Variant type: Duplication.
Coding change: c.3466dup on transcript NM_001382391.1 (MANE Select); coding-DNA position 3466, one base duplicated (A; older notation c.3466dupA).
Protein change: p.Thr1156fs; shifts the reading frame from threonine 1156.
Molecular consequence: frameshift variant. On other transcripts: intron variant (3).
Genome position (GRCh38, 1-based): chr8:67,193,599, A duplicated. VCF-style (leftmost placement, unchanged base first): chr8-67193598-T-TA. GRCh37 (hg19) VCF-style: chr8-68105833-T-TA.
Other names: c.3451dupA (NM_024790.6); c.2416dup, p.Thr806fs (NM_001291339.2); c.3385dup, p.Thr1129fs (NM_001363131.2); c.3271dup, p.Thr1091fs (NM_001363132.2); c.3190dup, p.Thr1064fs (NM_001363133.2); c.3532dup, p.Thr1178fs (NM_001364869.1); c.3352dup, p.Thr1118fs (NM_001364870.1); c.3298dup, p.Thr1100fs (NM_001438330.1); and 5 more; short protein forms T1064fs, T1151fs, T1091fs, T1118fs, T1178fs, T1129fs, T806fs, T1156fs.
Identifiers: ClinVar variation 503847 (VCV000503847.6), dbSNP rs748602759, ClinGen allele CA4771180.

ClinVar aggregate classification (germline): Conflicting classifications of pathogenicity. Review status: criteria provided, conflicting classifications (1 of 4 stars). 3 submissions from 3 submitters: Likely pathogenic (1); Uncertain significance (2). Last evaluated 2025-12-30.

Conditions:
Joubert syndrome 21 (JBTS21). Identifiers: MedGen C3810212, MONDO:0014288, OMIM 615636.
CSPP1-related disorder. Also called: CSPP1-related condition.

Allele frequency attached by ClinVar (database versions not stated): ESP Exome Variant Server 0.00018; gnomAD exomes 0.00001; ExAC 0.00001; gnomAD 0.00011 and 0.00013; TOPMed 0.00008.

Submissions (3):

GeneDx
Classification: Uncertain significance. Last evaluated: 2025-12-30. Review status: criteria provided, single submitter. Criteria: GeneDx Variant Classification Process June 2021. Collection method: clinical testing. Allele origin: germline. Affected: yes.
Comment: Frameshift variant predicted to result in abnormal protein length as the last 71 amino acids are replaced with two different amino acids; Reported previously in an unaffected carrier; however, no further information was provided (PMID: 31964843); This variant is associated with the following publications: (PMID: 31964843)

Labcorp Genetics (formerly Invitae), Labcorp
Classification: Uncertain significance for Joubert syndrome 21. Last evaluated: 2022-04-07. Review status: criteria provided, single submitter. Criteria: Invitae Variant Classification Sherloc (09022015). Collection method: clinical testing. Allele origin: germline.
Comment: This variant has not been reported in the literature in individuals affected with CSPP1-related conditions. This variant is present in population databases (rs748602759, gnomAD 0.02%). In summary, the available evidence is currently insufficient to determine the role of this variant in disease. Therefore, it has been classified as a Variant of Uncertain Significance. Experimental studies and prediction algorithms are not available or were not evaluated, and the functional significance of this variant is currently unknown. ClinVar contains an entry for this variant (Variation ID: 503847). This sequence change creates a premature translational stop signal (p.Thr1151Asnfs*3) in the CSPP1 gene. While this is not anticipated to result in nonsense mediated decay, it is expected to disrupt the last 71 amino acid(s) of the CSPP1 protein.

Blueprint Genetics
Classification: Likely pathogenic for CSPP1-related disorders. Last evaluated: 2017-12-22. Review status: criteria provided, single submitter. Criteria: ACMG Guidelines, 2015. Collection method: clinical testing. Allele origin: germline. Affected: yes. Observed: 1 variant allele.